The following is an entry in ClinVar:

ClinVar aggregate classification (germline): Likely benign (1 of 4 stars; one submission).

Conditions:
TAFAZZIN-related disorder. Also called: TAFAZZIN-related condition; TAFAZZIN-Related Disorders.

gnomAD v4.1: 47 of 1,189,215 alleles (0.004%); highest among the groups gnomAD compares: South Asian, 0.077%; 2 homozygotes.

Submission:

PreventionGenetics, part of Exact Sciences
Classification: Likely benign for TAFAZZIN-related condition. Last evaluated: 2025-05-19. Review status: criteria provided, single submitter. Criteria: ACMG Guidelines, 2015. Collection method: clinical testing. Allele origin: germline.
Comment: This variant is classified as likely benign based on ACMG/AMP sequence variant interpretation guidelines (Richards et al. 2015 PMID: 25741868, with internal and published modifications).

NM_000116.5(TAFAZZIN):c.778-55G>A

Gene: TAFAZZIN (tafazzin, phospholipid-lysophospholipid transacylase; plus strand). Cytogenetic location: Xq28.
Variant type: single nucleotide variant.
Coding change: c.778-55G>A on transcript NM_000116.5 (MANE Select); 55 bases into the intron before coding-DNA position 778, G replaced by A.
Molecular consequence: intron variant.
Genome position (GRCh38, 1-based): chrX:154,420,848, G>A. VCF-style: chrX-154420848-G-A. GRCh37 (hg19) VCF-style: chrX-153649187-G-A.
Other names: c.832-55G>A (NM_001440856.1); c.790-55G>A (NM_001303465.2); c.742-55G>A (NM_001410698.1); c.700-55G>A (NM_001440857.1); c.736-55G>A (NM_181312.4); c.688-55G>A (NM_181311.4); c.646-55G>A (NM_181313.4); c.565-55G>A (NM_001440858.1).
Identifiers: ClinVar variation 4979334 (VCV004979334.1).